The following is an entry in ClinVar:

NM_138694.4(PKHD1):c.2647del (p.Tyr883fs)

Gene: PKHD1 (PKHD1 ciliary IPT domain containing fibrocystin/polyductin; minus strand). Cytogenetic location: 6p12.2.
Variant type: Deletion.
Coding change: c.2647del on transcript NM_138694.4 (MANE Select); coding-DNA position 2647, one base deleted (T; older notation c.2647delT).
Protein change: p.Tyr883fs; shifts the reading frame from tyrosine 883.
Molecular consequence: frameshift variant.
Genome position (GRCh38, 1-based): chr6:52,045,034, A deleted on the plus strand (T on the coding strand, the reverse complement: PKHD1 is on the minus strand). VCF-style (leftmost placement, unchanged base first): chr6-52045033-TA-T. GRCh37 (hg19) VCF-style: chr6-51909831-TA-T.
Other names: c.2647del, p.Tyr883fs (NM_170724.3); short protein forms Y883fs.
Identifiers: ClinVar variation 5014567 (VCV005014567.1).

ClinVar aggregate classification (germline): Pathogenic (1 of 4 stars; one submission).

Conditions:
Polycystic kidney disease 4 (PKD4). Also called: PKD3; Autosomal Recessive Polycystic Kidney Disease – PKHD1; POLYCYSTIC KIDNEY AND HEPATIC DISEASE 1; POLYCYSTIC KIDNEY DISEASE, INFANTILE, TYPE I; POLYCYSTIC KIDNEY DISEASE 4 WITH OR WITHOUT POLYCYSTIC LIVER DISEASE. Identifiers: MedGen C4540575, MONDO:0033004, OMIM 263200.

Submission:

Myriad Genetics, Inc.
Classification: Pathogenic for Polycystic kidney disease 4. Last evaluated: 2025-06-09. Review status: criteria provided, single submitter. Criteria: Myriad Autosomal Dominant, Autosomal Recessive and X-Linked Classification Criteria (2023). Collection method: clinical testing. Allele origin: unknown.
Comment: NM_138694.3(PKHD1):c.2647delT(Y883Mfs*28) is expected to be pathogenic in the context of autosomal recessive polycystic kidney disease, PKHD1-related. This variant is predicted to lead to an abnormal or absent protein product due to the creation of a premature termination codon in PKHD1, a gene where loss-of-function variants are known to be pathogenic. Please note: this variant was assessed in the context of healthy population screening.